The following is an entry in ClinVar:

NM_004525.3(LRP2):c.623_624delinsAA (p.Cys208Ter)

Gene: LRP2 (LDL receptor related protein 2; minus strand). Cytogenetic location: 2q31.1.
Variant type: Indel.
Coding change: c.623_624delinsAA on transcript NM_004525.3 (MANE Select); coding-DNA positions 623 to 624, GC replaced by AA.
Protein change: p.Cys208Ter; replaces cysteine 208 with a stop codon.
Molecular consequence: nonsense.
Genome position (GRCh38, 1-based): chr2:169,294,176-169,294,177, GC replaced by TT on the plus strand (GC replaced by AA on the coding strand, the reverse complement: LRP2 is on the minus strand). VCF-style: chr2-169294176-GC-TT. GRCh37 (hg19) VCF-style: chr2-170150686-GC-TT.
Other names: short protein forms C208*.
Identifiers: ClinVar variation 2760633 (VCV002760633.3), dbSNP rs2528568304, ClinGen allele CA2697551330.
Genomic context (GRCh38, chr2:169,294,176, plus strand): 5'-CAACATGACCCAGCATAAAGAAATCACCGTACTGCAAGCATGTTCGTCACTGCCGTCTTG[GC>TT]AATCATTGTCATGGTCACAGACATAAGCACGAGGGATACACTCTCCATTGCCACATGAAA-3'

ClinVar aggregate classification (germline): Pathogenic (1 of 4 stars; one submission).

Submission:

Labcorp Genetics (formerly Invitae), Labcorp
Classification: Pathogenic. Last evaluated: 2023-09-14. Review status: criteria provided, single submitter. Criteria: Invitae Variant Classification Sherloc (09022015). Collection method: clinical testing. Allele origin: germline.
Comment: This sequence change creates a premature translational stop signal (p.Cys208*) in the LRP2 gene. It is expected to result in an absent or disrupted protein product. Loss-of-function variants in LRP2 are known to be pathogenic (PMID: 17632512, 25682901). Information on the frequency of this variant in the gnomAD database is not available, as this variant may be reported differently in the database. This variant has not been reported in the literature in individuals affected with LRP2-related conditions. For these reasons, this variant has been classified as Pathogenic.

Literature cited by the submitters: PubMed 17632512; PubMed 25682901.